The following is an entry in ClinVar:

ClinVar aggregate classification (germline): Uncertain significance. Review status: criteria provided, multiple submitters, no conflicts (2 of 4 stars). 3 submissions from 3 submitters: Uncertain significance (3). Last evaluated 2024-12-16.

Conditions:
Holoprosencephaly 9 (HPE9). Also called: HOLOPROSENCEPHALY WITH MICROPHTHALMIA AND FIRST BRANCHIAL ARCH ANOMALIES; PITUITARY ANOMALIES WITH HOLOPROSENCEPHALY-LIKE FEATURES. Identifiers: Orphanet 2162, MedGen C1835819, MONDO:0012563, OMIM 610829.
Postaxial polydactyly-anterior pituitary anomalies-facial dysmorphism syndrome. Also called: Culler-Jones syndrome. Identifiers: Orphanet 420584, MedGen C4014479, MONDO:0014369, OMIM 615849.

Allele frequency attached by ClinVar (database versions not stated): ExAC 0.00002; gnomAD 0.00003; TOPMed 0.00003; gnomAD exomes 0.00004; ESP Exome Variant Server 0.00008.

Submissions (3):

Labcorp Genetics (formerly Invitae), Labcorp
Classification: Uncertain significance for Postaxial polydactyly-anterior pituitary anomalies-facial dysmorphism syndrome; Holoprosencephaly 9. Last evaluated: 2024-12-16. Review status: criteria provided, single submitter. Criteria: Invitae Variant Classification Sherloc (09022015). Collection method: clinical testing. Allele origin: germline.
Comment: This sequence change replaces arginine, which is basic and polar, with histidine, which is basic and polar, at codon 374 of the GLI2 protein (p.Arg374His). This variant is present in population databases (rs370220133, gnomAD 0.007%). This missense change has been observed in individual(s) with unilateral cleft lip and cleft palate (PMID: 16327884). This variant is also known as R46H. ClinVar contains an entry for this variant (Variation ID: 198529). Invitae Evidence Modeling of protein sequence and biophysical properties (such as structural, functional, and spatial information, amino acid conservation, physicochemical variation, residue mobility, and thermodynamic stability) indicates that this missense variant is expected to disrupt GLI2 protein function with a positive predictive value of 80%. In summary, the available evidence is currently insufficient to determine the role of this variant in disease. Therefore, it has been classified as a Variant of Uncertain Significance.

ARUP Laboratories, Molecular Genetics and Genomics, ARUP Laboratories
Classification: Uncertain significance. Last evaluated: 2020-12-14. Review status: criteria provided, single submitter. Criteria: ARUP Molecular Germline Variant Investigation Process 2021. Collection method: clinical testing. Allele origin: germline.
Comment: The GLI2 c.1121G>A; p.Arg374His (rs370220133) variant, also published as R46H, has been reported in an individual with unilateral cleft lip and palate (Vieira 2005). The variant is described in the ClinVar database (Variation ID: 198529) and is found in the general population with an overall allele frequency of 0.005% (13/282,704 alleles). The arginine at codon 374 is highly conserved, but computational analyses are uncertain whether this variant is neutral or deleterious (REVEL: 0.438). Due to limited information, the clinical significance of the p.Arg374His variant is uncertain at this time. References: Vieira AR et al. Medical sequencing of candidate genes for nonsyndromic cleft lip and palate. PLoS Genet. 2005 Dec;1(6):e64.

Eurofins Ntd Llc (ga)
Classification: Uncertain significance. Last evaluated: 2015-05-18. Review status: criteria provided, single submitter. Criteria: EGL Classification Definitions 2015. Collection method: clinical testing. Allele origin: germline. Observed: 1 variant allele, 1 heterozygote.

Literature cited by the submitters: PubMed 16327884 (cited by Labcorp Genetics (formerly Invitae), Labcorp).

NM_001374353.1(GLI2):c.1121G>A (p.Arg374His)

Gene: GLI2 (GLI family zinc finger 2; plus strand). Cytogenetic location: 2q14.2.
Variant type: single nucleotide variant.
Coding change: c.1121G>A on transcript NM_001374353.1 (MANE Select); coding-DNA position 1121, G replaced by A.
Protein change: p.Arg374His; replaces arginine 374 with histidine.
Molecular consequence: missense variant.
Genome position (GRCh38, 1-based): chr2:120,972,002, G>A. VCF-style: chr2-120972002-G-A. GRCh37 (hg19) VCF-style: chr2-121729578-G-A.
Other names: c.1121G>A, p.Arg374His (NM_001371271.1, NM_005270.5); c.746G>A, p.Arg249His (NM_001374354.1); short protein forms R374H, R249H.
Identifiers: ClinVar variation 198529 (VCV000198529.20), dbSNP rs370220133, ClinGen allele CA247221.